The following is an entry in ClinVar:

NM_145167.3(PIGM):c.836A>G (p.Tyr279Cys)

Gene: PIGM (phosphatidylinositol glycan anchor biosynthesis class M; minus strand). Cytogenetic location: 1q23.2.
Variant type: single nucleotide variant.
Coding change: c.836A>G on transcript NM_145167.3 (MANE Select); coding-DNA position 836, A replaced by G.
Protein change: p.Tyr279Cys; replaces tyrosine 279 with cysteine.
Molecular consequence: missense variant.
Genome position (GRCh38, 1-based): chr1:160,030,904, T>C on the plus strand (A>G on the coding strand, the complement: PIGM is on the minus strand). VCF-style: chr1-160030904-T-C. GRCh37 (hg19) VCF-style: chr1-160000694-T-C.
Other names: short protein forms Y279C.
Identifiers: ClinVar variation 2776988 (VCV002776988.3), dbSNP rs1200884756, ClinGen allele CA343240057.

ClinVar aggregate classification (germline): Uncertain significance (1 of 4 stars; one submission).

Conditions:
Hypercoagulability syndrome due to glycosylphosphatidylinositol deficiency (GPIBD1). Also called: GLYCOSYLPHOSPHATIDYLINOSITOL BIOSYNTHESIS DEFECT 1. Identifiers: Orphanet 83639, MedGen C5201145, MONDO:0012465, OMIM 610293.

Allele frequency attached by ClinVar (database versions not stated): gnomAD exomes below 0.00001; TOPMed 0.00001.

Submission:

Labcorp Genetics (formerly Invitae), Labcorp
Classification: Uncertain significance for Hypercoagulability syndrome due to glycosylphosphatidylinositol deficiency. Last evaluated: 2026-01-05. Review status: criteria provided, single submitter. Criteria: Invitae Variant Classification Sherloc (09022015). Collection method: clinical testing. Allele origin: germline.
Comment: This sequence change replaces tyrosine, which is neutral and polar, with cysteine, which is neutral and slightly polar, at codon 279 of the PIGM protein (p.Tyr279Cys). This variant is not present in population databases (gnomAD no frequency). This variant has not been reported in the literature in individuals affected with PIGM-related conditions. ClinVar contains an entry for this variant (Variation ID: 2776988). Invitae Evidence Modeling of protein sequence and biophysical properties (such as structural, functional, and spatial information, amino acid conservation, physicochemical variation, residue mobility, and thermodynamic stability) indicates that this missense variant is expected to disrupt PIGM protein function with a positive predictive value of 80%. In summary, the available evidence is currently insufficient to determine the role of this variant in disease. Therefore, it has been classified as a Variant of Uncertain Significance.